The following is an entry in ClinVar:

ClinVar aggregate classification (germline): Uncertain significance (1 of 4 stars; one submission).

Conditions:
Hypertrophic cardiomyopathy 10. Also called: CARDIOMYOPATHY, HYPERTROPHIC, MID-LEFT VENTRICULAR CHAMBER TYPE, 2; MYL2-Related Familial Hypertrophic Cardiomyopathy. Identifiers: MedGen C1834460, MONDO:0012112, OMIM 608758.

Submission:

Labcorp Genetics (formerly Invitae), Labcorp
Classification: Uncertain significance for Hypertrophic cardiomyopathy 10. Last evaluated: 2023-04-29. Review status: criteria provided, single submitter. Criteria: Invitae Variant Classification Sherloc (09022015). Collection method: clinical testing. Allele origin: germline.
Comment: In summary, the available evidence is currently insufficient to determine the role of this variant in disease. Therefore, it has been classified as a Variant of Uncertain Significance. An algorithm developed to predict the effect of missense changes on protein structure and function (PolyPhen-2) suggests that this variant is likely to be tolerated. This variant has not been reported in the literature in individuals affected with MYL2-related conditions. This variant is not present in population databases (gnomAD no frequency). This sequence change replaces asparagine, which is neutral and polar, with isoleucine, which is neutral and non-polar, at codon 14 of the MYL2 protein (p.Asn14Ile).

NM_000432.4(MYL2):c.41A>T (p.Asn14Ile)

Genes: MYL2 (myosin light chain 2; minus strand), LOC114827850 (VISTA enhancer hs2149; plus strand). Cytogenetic location: 12q24.11.
Variant type: single nucleotide variant.
Coding change: c.41A>T on transcript NM_000432.4 (MANE Select); coding-DNA position 41, A replaced by T.
Protein change: p.Asn14Ile; replaces asparagine 14 with isoleucine.
Molecular consequence: missense variant. On other transcripts: 5 prime UTR variant (1).
Genome position (GRCh38, 1-based): chr12:110,919,156, T>A on the plus strand (A>T on the coding strand, the complement: MYL2 is on the minus strand). VCF-style: chr12-110919156-T-A. GRCh37 (hg19) VCF-style: chr12-111356960-T-A.
Other names: c.41A>T, p.Asn14Ile (NM_001406745.1, NM_001406746.1); c.-17A>T (NM_001406916.1); short protein forms N14I.
Identifiers: ClinVar variation 2860506 (VCV002860506.3), dbSNP rs2071704259, ClinGen allele CA386700302.